The following is an entry in ClinVar:

ClinVar aggregate classification (germline): Likely benign. Review status: criteria provided, multiple submitters, no conflicts (2 of 4 stars). 3 submissions from 3 submitters: Likely benign (3). Last evaluated 2025-07-27.

Conditions:
Acrocallosal syndrome (ACLS). Also called: Schinzel syndrome 1; Absence of corpus callosum with unusual facial appearance, mental deficiency, duplication of the halluces and polydactyly; HALLUX DUPLICATION, POSTAXIAL POLYDACTYLY, AND ABSENCE OF CORPUS CALLOSUM. Identifiers: Orphanet 36, MedGen C0796147, MONDO:0008708, OMIM 200990.

Allele frequency attached by ClinVar (database versions not stated): gnomAD exomes 0.00003; gnomAD 0.00006; TOPMed 0.00006.
gnomAD v4.1: 27 of 1,554,592 alleles (0.0017%); highest among the groups gnomAD compares: Admixed American, 0.012%; no homozygotes.

Submissions (3):

Labcorp Genetics (formerly Invitae), Labcorp
Classification: Likely benign for Acrocallosal syndrome. Last evaluated: 2025-07-27. Review status: criteria provided, single submitter. Criteria: Invitae Variant Classification Sherloc (09022015). Collection method: clinical testing. Allele origin: germline.

Blueprint Genetics
Classification: Likely benign. Last evaluated: 2024-09-05. Review status: criteria provided, single submitter. Criteria: ACMG Guidelines, 2015. Collection method: clinical testing. Allele origin: germline.

CeGaT Center for Human Genetics Tuebingen
Classification: Likely benign. Last evaluated: 2022-12-01. Review status: criteria provided, single submitter. Criteria: CeGaT Center For Human Genetics Tuebingen Variant Classification Criteria Version 2. Collection method: clinical testing. Allele origin: germline. Affected: yes. Observed: 1 variant allele.
Comment: KIF7: BP4, BP7

NM_198525.3(KIF7):c.2913C>T (p.Ile971=)

Gene: KIF7 (kinesin family member 7; minus strand). Cytogenetic location: 15q26.1.
Variant type: single nucleotide variant.
Coding change: c.2913C>T on transcript NM_198525.3 (MANE Select); coding-DNA position 2913, C replaced by T.
Protein change: p.Ile971=; no amino-acid change (isoleucine 971 retained).
Molecular consequence: synonymous variant.
Genome position (GRCh38, 1-based): chr15:89,631,693, G>A on the plus strand (C>T on the coding strand, the complement: KIF7 is on the minus strand). VCF-style: chr15-89631693-G-A. GRCh37 (hg19) VCF-style: chr15-90174924-G-A.
Identifiers: ClinVar variation 1588525 (VCV001588525.33), dbSNP rs985336033, ClinGen allele CA274566583.